The following is an entry in ClinVar:

ClinVar aggregate classification (germline): Uncertain significance (1 of 4 stars; one submission).

Conditions:
Ehlers-Danlos syndrome, classic type, 1 (EDSCL1). Also called: EHLERS-DANLOS SYNDROME, GRAVIS TYPE; EHLERS-DANLOS SYNDROME, SEVERE CLASSIC TYPE; Ehlers-Danlos syndrome, type 1; Ehlers-Danlos Syndrome, Classic Type, COL5A1-Related; EDS I. Identifiers: MedGen C0268335, MONDO:0019567, OMIM 130000.

Submission:

Labcorp Genetics (formerly Invitae), Labcorp
Classification: Uncertain significance for Ehlers-Danlos syndrome, classic type, 1. Last evaluated: 2024-07-11. Review status: criteria provided, single submitter. Criteria: Invitae Variant Classification Sherloc (09022015). Collection method: clinical testing. Allele origin: germline.
Comment: This sequence change replaces glycine, which is neutral and non-polar, with alanine, which is neutral and non-polar, at codon 1309 of the COL5A1 protein (p.Gly1309Ala). This variant is not present in population databases (gnomAD no frequency). This variant has not been reported in the literature in individuals affected with COL5A1-related conditions. Advanced modeling of protein sequence and biophysical properties (such as structural, functional, and spatial information, amino acid conservation, physicochemical variation, residue mobility, and thermodynamic stability) performed at Invitae indicates that this missense variant is expected to disrupt COL5A1 protein function with a positive predictive value of 95%. This variant disrupts the triple helix domain of COL5A1. Glycine residues within the Gly-Xaa-Yaa repeats of the triple helix domain are required for the structure and stability of fibrillar collagens (PMID: 7695699, 8218237, 19344236), and variants at these glycine residues in COL5A1 are more frequently observed in individuals with disease than in the general population (PMID: 22696272, 23587214). However, the clinical significance of this observation remains uncertain since only a limited number of affected individuals have been described to date. In summary, the available evidence is currently insufficient to determine the role of this variant in disease. Therefore, it has been classified as a Variant of Uncertain Significance.

Literature cited by the submitters: PubMed 7695699; PubMed 8218237; PubMed 19344236; PubMed 22696272; PubMed 23587214.

NM_000093.5(COL5A1):c.3926G>C (p.Gly1309Ala)

Gene: COL5A1 (collagen type V alpha 1 chain; plus strand). Cytogenetic location: 9q34.3.
Variant type: single nucleotide variant.
Coding change: c.3926G>C on transcript NM_000093.5 (MANE Select); coding-DNA position 3926, G replaced by C.
Protein change: p.Gly1309Ala; replaces glycine 1309 with alanine.
Molecular consequence: missense variant.
Genome position (GRCh38, 1-based): chr9:134,814,816, G>C. VCF-style: chr9-134814816-G-C. GRCh37 (hg19) VCF-style: chr9-137706662-G-C.
Other names: c.3926G>C, p.Gly1309Ala (NM_001278074.1); short protein forms G1309A.
Identifiers: ClinVar variation 3677252 (VCV003677252.2).